The following is an entry in ClinVar:

ClinVar aggregate classification (germline): Pathogenic (1 of 4 stars; one submission).

Conditions:
Hereditary cancer-predisposing syndrome. Also called: Tumor predisposition; Hereditary neoplastic syndrome; Hereditary Cancer Syndrome; Neoplastic Syndromes, Hereditary. Identifiers: Orphanet 140162, MedGen C0027672, MeSH D009386, MONDO:0015356.

Submission:

Color Diagnostics, LLC DBA Color Health
Classification: Pathogenic for Hereditary cancer-predisposing syndrome. Last evaluated: 2020-08-25. Review status: criteria provided, single submitter. Criteria: ACMG Guidelines, 2015. Collection method: clinical testing. Allele origin: germline.
Comment: This variant is located in the ATM protein. To our knowledge, functional studies have not been reported for this variant. This variant has not been reported in individuals affected with hereditary cancer in the literature. This variant has not been identified in the general population by the Genome Aggregation Database (gnomAD). Loss of ATM function is a known mechanism of disease. Based on the available evidence, this variant is classified as Pathogenic.

NM_000051.4(ATM):c.4175delinsTG (p.Tyr1392fs)

Gene: ATM (ATM serine/threonine kinase; plus strand). Cytogenetic location: 11q22.3.
Variant type: Indel.
Coding change: c.4175delinsTG on transcript NM_000051.4 (MANE Select); coding-DNA position 4175, A replaced by TG.
Protein change: p.Tyr1392fs; shifts the reading frame from tyrosine 1392.
Molecular consequence: frameshift variant.
Genome position (GRCh38, 1-based): chr11:108,289,042, A replaced by TG. VCF-style: chr11-108289042-A-TG. GRCh37 (hg19) VCF-style: chr11-108159769-A-TG.
Other names: c.4175delinsTG, p.Tyr1392fs (NM_001351834.2); short protein forms Y1392fs.
Identifiers: ClinVar variation 1171098 (VCV001171098.2), dbSNP rs2135752319, ClinGen allele CA2499220634.